The following is an entry in ClinVar:

ClinVar aggregate classification (germline): Uncertain significance (1 of 4 stars; one submission).

Allele frequency attached by ClinVar (database versions not stated): gnomAD exomes below 0.00001; ExAC 0.00001; gnomAD 0.00001; 1000 Genomes Project 30x 0.00016; 1000 Genomes Project 0.00020.
gnomAD v4.1: 4 of 1,613,972 alleles (0.00025%); highest among the groups gnomAD compares: East Asian, 0.0022%; no homozygotes.

Submission:

Labcorp Genetics (formerly Invitae), Labcorp
Classification: Uncertain significance. Last evaluated: 2023-03-26. Review status: criteria provided, single submitter. Criteria: Invitae Variant Classification Sherloc (09022015). Collection method: clinical testing. Allele origin: germline.
Comment: This variant is present in population databases (rs182276587, gnomAD 0.006%). This sequence change replaces serine, which is neutral and polar, with asparagine, which is neutral and polar, at codon 1086 of the ERBB4 protein (p.Ser1086Asn). This variant has not been reported in the literature in individuals affected with ERBB4-related conditions. In summary, the available evidence is currently insufficient to determine the role of this variant in disease. Therefore, it has been classified as a Variant of Uncertain Significance. Algorithms developed to predict the effect of missense changes on protein structure and function output the following: SIFT: "Not Available"; PolyPhen-2: "Benign"; Align-GVGD: "Not Available". The asparagine amino acid residue is found in multiple mammalian species, which suggests that this missense change does not adversely affect protein function.

NM_005235.3(ERBB4):c.3257G>A (p.Ser1086Asn)

Gene: ERBB4 (erb-b2 receptor tyrosine kinase 4; minus strand). Cytogenetic location: 2q34.
Variant type: single nucleotide variant.
Coding change: c.3257G>A on transcript NM_005235.3 (MANE Select); coding-DNA position 3257, G replaced by A.
Protein change: p.Ser1086Asn; replaces serine 1086 with asparagine.
Molecular consequence: missense variant.
Genome position (GRCh38, 1-based): chr2:211,387,077, C>T on the plus strand (G>A on the coding strand, the complement: ERBB4 is on the minus strand). VCF-style: chr2-211387077-C-T. GRCh37 (hg19) VCF-style: chr2-212251802-C-T.
Other names: c.3209G>A, p.Ser1070Asn (NM_001042599.2); short protein forms S1086N, S1070N.
Identifiers: ClinVar variation 2995608 (VCV002995608.3), dbSNP rs182276587, ClinGen allele CA2087477.